The following is an entry in ClinVar:

ClinVar aggregate classification (germline): Likely benign. Review status: criteria provided, single submitter (1 of 4 stars). 2 submissions from 2 submitters: Likely benign (1). 1 of the submissions does not count toward it. Last evaluated 2026-01-25.

Conditions:
MYO18B-related disorder. Also called: MYO18B-related condition.

Allele frequency attached by ClinVar (database versions not stated): TOPMed 0.00003; ExAC 0.00004; gnomAD 0.00005; 1000 Genomes Project 30x 0.00016.
gnomAD v4.1: 70 of 1,568,200 alleles (0.0045%); highest among the groups gnomAD compares: Admixed American, 0.015%; no homozygotes.

Submissions (2):

Labcorp Genetics (formerly Invitae), Labcorp
Classification: Likely benign. Last evaluated: 2026-01-25. Review status: criteria provided, single submitter. Criteria: Invitae Variant Classification Sherloc (09022015). Collection method: clinical testing. Allele origin: germline.

PreventionGenetics, part of Exact Sciences
Classification: Likely benign for MYO18B-related condition. Last evaluated: 2019-03-25. Review status: no assertion criteria provided. Collection method: clinical testing. Allele origin: germline. Not counted in ClinVar's aggregate classification.
Comment: This variant is classified as likely benign based on ACMG/AMP sequence variant interpretation guidelines (Richards et al. 2015 PMID: 25741868, with internal and published modifications).

NM_032608.7(MYO18B):c.5149-7C>T

Gene: MYO18B (myosin XVIIIB; plus strand). Cytogenetic location: 22q12.1.
Variant type: single nucleotide variant.
Coding change: c.5149-7C>T on transcript NM_032608.7 (MANE Select); 7 bases into the intron before coding-DNA position 5149, C replaced by T.
Molecular consequence: intron variant.
Genome position (GRCh38, 1-based): chr22:25,908,315, C>T. VCF-style: chr22-25908315-C-T. GRCh37 (hg19) VCF-style: chr22-26304282-C-T.
Other names: c.5152-7C>T (NM_001318245.2); c.5149-7C>T (NM_032608.6).
Identifiers: ClinVar variation 2056105 (VCV002056105.6), dbSNP rs767902237, ClinGen allele CA10161081.